The following is an entry in ClinVar:

ClinVar aggregate classification (germline): Benign/Likely benign. Review status: criteria provided, multiple submitters, no conflicts (2 of 4 stars). 10 submissions from 9 submitters: Benign (5); Likely benign (5). Last evaluated 2026-04-01.

Conditions:
Autosomal dominant familial hematuria-retinal arteriolar tortuosity-contractures syndrome. Also called: Hereditary Angiopathy with Nephropathy, Aneurysms, and Muscle Cramps (HANAC) Syndrome; Angiopathy, hereditary, with nephropathy, aneurysms, and muscle cramps. Identifiers: Orphanet 73229, MedGen C2673195, MONDO:0012726, OMIM 611773.
Hemorrhage, intracerebral, susceptibility to (ICH). Also called: Stroke, hemorrhagic, susceptibility to. Identifiers: MedGen C3281105, MONDO:0100533, OMIM 614519.
Retinal arterial tortuosity. Also called: Retinal arteries, tortuosity of; RETINAL HEMORRHAGE WITH VASCULAR TORTUOSITY. Identifiers: Orphanet 75326, MedGen C0423401, MONDO:0008373, OMIM 180000, HP:0000631.
Brain small vessel disease 1 with or without ocular anomalies (BSVD1). Also called: BRAIN SMALL VESSEL DISEASE WITH HEMORRHAGE; PORENCEPHALY, TYPE 1, AUTOSOMAL DOMINANT; GOULD SYNDROME 1; Brain small vessel disease with or without ocular anomalies. Identifiers: Orphanet 2940, Orphanet 36383, Orphanet 99810, MedGen C4755307, MONDO:0008289, OMIM 175780.
Microangiopathy and leukoencephalopathy, pontine, autosomal dominant. Also called: Pontine autosomal dominant microangiopathy with leukoencephalopathy; DEMENTIA, HEREDITARY MULTI-INFARCT, SWEDISH TYPE. Identifiers: Orphanet 477749, MedGen C5231411, MONDO:0032814, OMIM 618564.

Allele frequency attached by ClinVar (database versions not stated): TOPMed 0.00038; gnomAD exomes 0.00063 and 0.00079; ExAC 0.00079; ESP Exome Variant Server 0.00085; gnomAD 0.00105.
gnomAD v4.1: 1,087 of 1,613,638 alleles (0.067%); highest among the groups gnomAD compares: Non-Finnish European, 0.066%; 1 homozygote.

Submissions (13):

CeGaT Center for Human Genetics Tuebingen
Classification: Likely benign. Last evaluated: 2026-04-01. Review status: criteria provided, single submitter. Criteria: CeGaT Center For Human Genetics Tuebingen Variant Classification Criteria Version 2. Collection method: clinical testing. Allele origin: germline. Affected: yes. Observed: 6 variant alleles.
Comment: COL4A1: BP4, BS1

Labcorp Genetics (formerly Invitae), Labcorp
Classification: Benign. Last evaluated: 2026-01-28. Review status: criteria provided, single submitter. Criteria: Invitae Variant Classification Sherloc (09022015). Collection method: clinical testing. Allele origin: germline.

Mayo Clinic Laboratories, Mayo Clinic
Classification: Likely benign. Last evaluated: 2025-05-29. Review status: criteria provided, single submitter. Criteria: ACMG Guidelines, 2015. Collection method: clinical testing. Allele origin: germline. Observed: 1 variant allele.
Comment: BS1, BP4, BP7

Laboratory of Genetics, Children's Clinical University Hospital Latvia
Classification: Likely benign. Last evaluated: 2025-02-16. Review status: criteria provided, single submitter. Criteria: ACMG Guidelines, 2015. Collection method: clinical testing. Allele origin: germline. Affected: yes.

Blueprint Genetics
Classification: Likely benign. Last evaluated: 2024-11-27. Review status: criteria provided, single submitter. Criteria: ACMG Guidelines, 2015. Collection method: clinical testing. Allele origin: germline.

Fulgent Genetics
Classification: Benign for Brain small vessel disease 1 with or without ocular anomalies; Retinal arterial tortuosity; Autosomal dominant familial hematuria-retinal arteriolar tortuosity-contractures syndrome; Hemorrhage, intracerebral, susceptibility to; Microangiopathy and leukoencephalopathy, pontine, autosomal dominant. Last evaluated: 2021-08-16. Review status: criteria provided, single submitter. Criteria: ACMG Guidelines, 2015. Collection method: clinical testing. Allele origin: unknown.

GeneDx
Classification: Likely benign. Last evaluated: 2020-12-02. Review status: criteria provided, single submitter. Criteria: GeneDx Variant Classification Process June 2021. Collection method: clinical testing. Allele origin: germline. Affected: yes.

Illumina Laboratory Services, Illumina
Classification: Benign for Brain small vessel disease 1 with or without ocular anomalies. Last evaluated: 2018-01-12. Review status: criteria provided, single submitter. Criteria: ICSL Variant Classification Criteria 13 December 2019. Collection method: clinical testing. Allele origin: germline.
Comment: This variant was observed in the ICSL laboratory as part of a predisposition screen in an ostensibly healthy population. It had not been previously curated by ICSL or reported in the Human Gene Mutation Database (HGMD: prior to June 1st, 2018), and was therefore a candidate for classification through an automated scoring system. Utilizing variant allele frequency, disease prevalence and penetrance estimates, and inheritance mode, an automated score was calculated to assess if this variant is too frequent to cause the disease. Based on the score and internal cut-off values, a variant classified as benign is not then subjected to further curation. The score for this variant resulted in a classification of benign for this disease.

Illumina Laboratory Services, Illumina
Classification: Benign for Autosomal dominant familial hematuria-retinal arteriolar tortuosity-contractures syndrome. Last evaluated: 2018-01-12. Review status: criteria provided, single submitter. Criteria: ICSL Variant Classification Criteria 13 December 2019. Collection method: clinical testing. Allele origin: germline.
Comment: the same text as in the submission from Illumina Laboratory Services, Illumina above.

Athena Diagnostics
Classification: Benign. Last evaluated: 2017-12-19. Review status: criteria provided, single submitter. Criteria: Athena Diagnostics Criteria. Collection method: clinical testing. Allele origin: germline.

Dr. Peter K. Rogan Lab, Western University
No classification provided (evidence only). Condition: Familial cancer of breast. Review status: no classification provided. Collection method: in vitro. Allele origin: not applicable. Functional consequence: skipped exon, retained intron. Not counted in ClinVar's aggregate classification.

Dr. Peter K. Rogan Lab, Western University
No classification provided (evidence only). Condition: Familial cancer of breast. Review status: no classification provided. Collection method: in vitro. Allele origin: not applicable. Functional consequence: skipped exon, retained intron. Not counted in ClinVar's aggregate classification.

Dr. Peter K. Rogan Lab, Western University
No classification provided (evidence only). Condition: Familial cancer of breast. Review status: no classification provided. Collection method: in vitro. Allele origin: not applicable. Functional consequence: skipped exon. Not counted in ClinVar's aggregate classification.

NM_001845.6(COL4A1):c.3506-7C>G

Gene: COL4A1 (collagen type IV alpha 1 chain; minus strand). Cytogenetic location: 13q34.
Variant type: single nucleotide variant.
Coding change: c.3506-7C>G on transcript NM_001845.6 (MANE Select); 7 bases into the intron before coding-DNA position 3506, C replaced by G.
Molecular consequence: intron variant.
Genome position (GRCh38, 1-based): chr13:110,172,777, G>C on the plus strand (C>G on the coding strand, the complement: COL4A1 is on the minus strand). VCF-style: chr13-110172777-G-C. GRCh37 (hg19) VCF-style: chr13-110825124-G-C.
Other names: p.?.
Identifiers: ClinVar variation 311038 (VCV000311038.50), dbSNP rs377592935, ClinGen allele CA7047232.
Genomic context (GRCh38, chr13:110,172,777, plus strand): 5'-TACCTTTGTCTCCTTTGGCCCCTGGAAACCCTGGGAATCCTCTTCCTGGTAGACCTATAA[G>C]ATGAGGGTAAAATGCCACGTTTCTCTTTACTTAAACAATCCATCTGCAGGTACAACACAA-3'